The following is an entry in ClinVar:

NM_004341.5(CAD):c.610C>T (p.Pro204Ser)

Gene: CAD (carbamoyl-phosphate synthetase 2, aspartate transcarbamylase, and dihydroorotase; plus strand). Cytogenetic location: 2p23.3.
Variant type: single nucleotide variant.
Coding change: c.610C>T on transcript NM_004341.5 (MANE Select); coding-DNA position 610, C replaced by T.
Protein change: p.Pro204Ser; replaces proline 204 with serine.
Molecular consequence: missense variant.
Genome position (GRCh38, 1-based): chr2:27,222,633, C>T. VCF-style: chr2-27222633-C-T. GRCh37 (hg19) VCF-style: chr2-27445501-C-T.
Other names: c.610C>T, p.Pro204Ser (NM_001306079.2); short protein forms P204S.
Identifiers: ClinVar variation 2921063 (VCV002921063.1), dbSNP rs1675229364, ClinGen allele CA346199994.

ClinVar aggregate classification (germline): Uncertain significance (1 of 4 stars; one submission).

Conditions:
Developmental and epileptic encephalopathy, 50 (DEE50). Also called: Epileptic encephalopathy, early infantile, 50. Identifiers: Orphanet 448010, MedGen C4225320, MONDO:0014647, OMIM 616457.

Allele frequency attached by ClinVar (database versions not stated): gnomAD exomes below 0.00001.
gnomAD v4.1: 1 of 1,613,998 alleles (0.000062%); highest among the groups gnomAD compares: Middle Eastern, 0.017%; no homozygotes.

Submission:

ARUP Laboratories, Molecular Genetics and Genomics, ARUP Laboratories
Classification: Uncertain significance for Developmental and epileptic encephalopathy, 50. Last evaluated: 2023-09-12. Review status: criteria provided, single submitter. Criteria: ARUP Molecular Germline Variant Investigation Process 2024. Collection method: clinical testing. Allele origin: germline.
Comment: Due to limited information, including a lack of clinical and/or functional data and an uninformative population frequency, the clinical significance of this variant is uncertain at this time.